The following is an entry in ClinVar:

ClinVar aggregate classification (germline): Uncertain significance (1 of 4 stars; one submission).

Conditions:
RYR1-related disorder. Also called: RYR1-related condition; RYR1-related disorders. Identifiers: MedGen CN239331.

Submission:

Labcorp Genetics (formerly Invitae), Labcorp
Classification: Uncertain significance for RYR1-related disorder. Last evaluated: 2020-03-08. Review status: criteria provided, single submitter. Criteria: Invitae Variant Classification Sherloc (09022015). Collection method: clinical testing. Allele origin: germline.
Comment: In summary, the available evidence is currently insufficient to determine the role of this variant in disease. Therefore, it has been classified as a Variant of Uncertain Significance. This variant, c.2370_2387del, results in the deletion of 6 amino acid(s) of the RYR1 protein (p.Leu791_His796del), but otherwise preserves the integrity of the reading frame. This variant is not present in population databases (ExAC no frequency). This variant has not been reported in the literature in individuals with RYR1-related conditions. Experimental studies and prediction algorithms are not available or were not evaluated, and the functional significance of this variant is currently unknown.

NM_000540.3(RYR1):c.2370_2387del (p.Leu791_His796del)

Gene: RYR1 (ryanodine receptor 1; plus strand). Cytogenetic location: 19q13.2.
Variant type: Deletion.
Coding change: c.2370_2387del on transcript NM_000540.3 (MANE Select); coding-DNA positions 2370 to 2387, 18 bases deleted (CCTCCTTGGTGGCCGCCA).
Protein change: p.Leu791_His796del.
Molecular consequence: inframe deletion.
Genome position (GRCh38, 1-based): chr19:38,460,384-38,460,401, CCTCCTTGGTGGCCGCCA deleted. VCF-style (leftmost placement, unchanged base first): chr19-38460383-TCCTCCTTGGTGGCCGCCA-T. GRCh37 (hg19) VCF-style: chr19-38951023-TCCTCCTTGGTGGCCGCCA-T.
Other names: c.2370_2387del, p.Leu791_His796del (NM_001042723.2).
Identifiers: ClinVar variation 1063775 (VCV001063775.9), dbSNP rs2145417895, ClinGen allele CA2499225464.